The following is an entry in ClinVar:

NM_001032283.3(TMPO):c.565+1853G>C

Gene: TMPO (thymopoietin; plus strand). Cytogenetic location: 12q23.1.
Variant type: single nucleotide variant.
Coding change: c.565+1853G>C on transcript NM_001032283.3 (MANE Select); 1853 bases into the intron after coding-DNA position 565, G replaced by C.
Molecular consequence: intron variant. On other transcripts: missense variant (1).
Genome position (GRCh38, 1-based): chr12:98,533,691, G>C. VCF-style: chr12-98533691-G-C. GRCh37 (hg19) VCF-style: chr12-98927469-G-C.
Other names: p.K478N:AAG>AAC; c.1434G>C, p.Lys478Asn (NM_003276.2); c.565+1853G>C (NM_001307975.2, NM_001032284.3); short protein forms K478N.
Identifiers: ClinVar variation 36874 (VCV000036874.21), dbSNP rs35761089, ClinGen allele CA282430.
Genomic context (GRCh38, chr12:98,533,691, plus strand): 5'-TTCTTTTGCCAAAACTGTTGTCTCTCATTCACTCACTACCTTAGGTCTAGAAGTGGCTAA[G>C]CAATCACAGCATGATAAAATAGATGCCTCAGAACTATCTTTTCCCTTCCATGAATCTATT-3'

ClinVar aggregate classification (germline): Benign. Review status: criteria provided, multiple submitters, no conflicts (2 of 4 stars). 7 submissions from 7 submitters: Benign (6). 1 of the submissions does not count toward it. Last evaluated 2026-02-03.

Conditions:
Cardiomyopathy (CMYO). Also called: Cardiomyopathies. Identifiers: Orphanet 167848, MedGen C0878544, MONDO:0004994, HP:0001638. Inheritance: Various modes of inheritance.
Loeys-Dietz syndrome 2 (LDS2). Also called: TGFBR2-Related Loeys-Dietz Syndrome; Marfan syndrome, type 2 (formerly); AORTIC ANEURYSM, FAMILIAL THORACIC 3; MARFAN SYNDROME, TYPE II; Marfan Syndrome type 2; Marfan like connective tissue disorder. Identifiers: Orphanet 284973, Orphanet 558, MedGen C2674574, MONDO:0012427, OMIM 610168.

Allele frequency attached by ClinVar (database versions not stated): gnomAD exomes 0.00466; ExAC 0.00561; gnomAD 0.01735; TOPMed 0.01886; 1000 Genomes Project 30x 0.01889; ESP Exome Variant Server 0.01907; 1000 Genomes Project 0.01917.

Submissions (7):

Labcorp Genetics (formerly Invitae), Labcorp
Classification: Benign for Loeys-Dietz syndrome 2. Last evaluated: 2026-02-03. Review status: criteria provided, single submitter. Criteria: Invitae Variant Classification Sherloc (09022015). Collection method: clinical testing. Allele origin: germline.

Ambry Genetics
Classification: Benign. Last evaluated: 2015-10-01. Review status: criteria provided, single submitter. Criteria: Ambry Variant Classification Scheme 2023. Collection method: clinical testing. Allele origin: germline.

GeneDx
Classification: Benign. Last evaluated: 2014-03-05. Review status: criteria provided, single submitter. Criteria: GeneDx Variant Classification (06012015). Collection method: clinical testing. Allele origin: germline. Affected: yes.
Comment: This variant is considered likely benign or benign based on one or more of the following criteria: it is a conservative change, it occurs at a poorly conserved position in the protein, it is predicted to be benign by multiple in silico algorithms, and/or has population frequency not consistent with disease.

Biesecker Lab/Clinical Genomics Section, National Institutes of Health
Classification: Benign. Last evaluated: 2013-06-24. Review status: criteria provided, single submitter. Criteria: Ng et al. (Circ Cardiovasc Genet. 2013). Collection method: research. Allele origin: unknown. Observed: 2 variant alleles. Study: ClinSeq.
Comment: The study set was not selected for affection status in relation to any cancer. Pathogenicity categories were based on literature curation. See Pubmed ID:23861362 for details.

Medical sequencing

Laboratory for Molecular Medicine, Mass General Brigham Personalized Medicine
Classification: Benign. Last evaluated: 2012-03-19. Review status: criteria provided, single submitter. Criteria: LMM Criteria. Collection method: clinical testing. Allele origin: germline. Observed: 16 variant alleles.
Comment: p.Lys478Asn in Exon 04 of TMPO: This variant is not expected to have clinical si gnificance because it has been identified in 5.4% (200/3738) of African American chromosomes from a broad population by the NHLBI Exome Sequencing Project (dbSNP rs35761089).

Breakthrough Genomics
Classification: Benign. Review status: criteria provided, single submitter. Criteria: ACMG Guidelines, 2015. Collection method: not provided. Allele origin: germline. Inheritance: Unknown mechanism. Affected: yes.

Women's Health and Genetics/Laboratory Corporation of America, LabCorp
Classification: Benign for Cardiomyopathy. Last evaluated: 2013-05-13. Review status: no assertion criteria provided. Collection method: clinical testing. Allele origin: germline. Not counted in ClinVar's aggregate classification.